The following is an entry in ClinVar:

NM_006019.4(TCIRG1):c.2110G>C (p.Glu704Gln)

Gene: TCIRG1 (T cell immune regulator 1, ATPase H+ transporting V0 subunit a3; plus strand). Cytogenetic location: 11q13.2.
Variant type: single nucleotide variant.
Coding change: c.2110G>C on transcript NM_006019.4 (MANE Select); coding-DNA position 2110, G replaced by C.
Protein change: p.Glu704Gln; replaces glutamic acid 704 with glutamine.
Molecular consequence: missense variant.
Genome position (GRCh38, 1-based): chr11:68,050,058, G>C. VCF-style: chr11-68050058-G-C. GRCh37 (hg19) VCF-style: chr11-67817525-G-C.
Other names: c.1216G>C, p.Glu406Gln (NM_001351059.2); c.1462G>C, p.Glu488Gln (NM_006053.4); short protein forms E406Q, E488Q, E704Q.
Identifiers: ClinVar variation 2416354 (VCV002416354.5), dbSNP rs1167628217, ClinGen allele CA381589769.

ClinVar aggregate classification (germline): Uncertain significance (1 of 4 stars; one submission).

Allele frequency attached by ClinVar (database versions not stated): gnomAD exomes below 0.00001; TOPMed below 0.00001.
gnomAD v4.1: 4 of 1,613,328 alleles (0.00025%); highest among the groups gnomAD compares: African/African-American, 0.0027%; no homozygotes.

Submission:

Labcorp Genetics (formerly Invitae), Labcorp
Classification: Uncertain significance. Last evaluated: 2024-03-11. Review status: criteria provided, single submitter. Criteria: Invitae Variant Classification Sherloc (09022015). Collection method: clinical testing. Allele origin: germline.
Comment: This sequence change replaces glutamic acid, which is acidic and polar, with glutamine, which is neutral and polar, at codon 704 of the TCIRG1 protein (p.Glu704Gln). This variant is present in population databases (no rsID available, gnomAD 0.007%). This variant has not been reported in the literature in individuals affected with TCIRG1-related conditions. ClinVar contains an entry for this variant (Variation ID: 2416354). Advanced modeling of protein sequence and biophysical properties (such as structural, functional, and spatial information, amino acid conservation, physicochemical variation, residue mobility, and thermodynamic stability) performed at Invitae indicates that this missense variant is not expected to disrupt TCIRG1 protein function with a negative predictive value of 80%. In summary, the available evidence is currently insufficient to determine the role of this variant in disease. Therefore, it has been classified as a Variant of Uncertain Significance.